The following is an entry in ClinVar:

NM_002485.5(NBN):c.38-11A>T

Gene: NBN (nibrin; minus strand). Cytogenetic location: 8q21.3.
Variant type: single nucleotide variant.
Coding change: c.38-11A>T on transcript NM_002485.5 (MANE Select); 11 bases into the intron before coding-DNA position 38, A replaced by T.
Molecular consequence: intron variant.
Genome position (GRCh38, 1-based): chr8:89,982,866, T>A on the plus strand (A>T on the coding strand, the complement: NBN is on the minus strand). VCF-style: chr8-89982866-T-A. GRCh37 (hg19) VCF-style: chr8-90995094-T-A.
Other names: c.-259-11A>T (NM_001024688.3).
Identifiers: ClinVar variation 511132 (VCV000511132.8), dbSNP rs770165601, ClinGen allele CA4803071.
Genomic context (GRCh38, chr8:89,982,866, plus strand): 5'-TTTCCTTCCAACAACGTACTCAACGCCAGTCAAAAGTCTGTATGGTTCTCCTGAGATAAA[T>A]TTTTTTTTAAAAAAAGATAAGTTGATAGACACATACACATGTACACGAACACACACATAC-3'

ClinVar aggregate classification (germline): Likely benign. Review status: criteria provided, multiple submitters, no conflicts (2 of 4 stars). 2 submissions from 2 submitters: Likely benign (2). Last evaluated 2022-07-16.

Conditions:
Microcephaly, normal intelligence and immunodeficiency (NBS). Also called: Nijmegen breakage syndrome; Microcephaly with normal intelligence immunodeficiency and lymphoreticular malignancies; Nonsyndromal microcephaly autosomal recessive with normal intelligence; Seemanova syndrome 2; Ataxia telangiectasia variant V1; BERLIN BREAKAGE SYNDROME. Identifiers: Orphanet 647, MedGen C0398791, MONDO:0009623, OMIM 251260.

Allele frequency attached by ClinVar (database versions not stated): gnomAD exomes below 0.00001; ExAC 0.00001.
gnomAD v4.1: 1 of 1,602,550 alleles (0.000062%); highest among the groups gnomAD compares: Admixed American, 0.0017%; no homozygotes.

Submissions (2):

Labcorp Genetics (formerly Invitae), Labcorp
Classification: Likely benign for Microcephaly, normal intelligence and immunodeficiency. Last evaluated: 2022-07-16. Review status: criteria provided, single submitter. Criteria: Invitae Variant Classification Sherloc (09022015). Collection method: clinical testing. Allele origin: germline.

GeneDx
Classification: Likely benign. Last evaluated: 2017-07-28. Review status: criteria provided, single submitter. Criteria: GeneDx Variant Classification (06012015). Collection method: clinical testing. Allele origin: germline. Affected: yes.
Comment: This variant is considered likely benign or benign based on one or more of the following criteria: it is a conservative change, it occurs at a poorly conserved position in the protein, it is predicted to be benign by multiple in silico algorithms, and/or has population frequency not consistent with disease.